The following is an entry in ClinVar:

NM_001206927.2(DNAH8):c.881A>C (p.Gln294Pro)

Gene: DNAH8 (dynein axonemal heavy chain 8; plus strand). Cytogenetic location: 6p21.2.
Variant type: single nucleotide variant.
Coding change: c.881A>C on transcript NM_001206927.2 (MANE Select); coding-DNA position 881, A replaced by C.
Protein change: p.Gln294Pro; replaces glutamine 294 with proline.
Molecular consequence: missense variant.
Genome position (GRCh38, 1-based): chr6:38,737,185, A>C. VCF-style: chr6-38737185-A-C. GRCh37 (hg19) VCF-style: chr6-38704961-A-C.
Other names: c.230A>C, p.Gln77Pro (NM_001371.4); short protein forms Q294P, Q77P.
Identifiers: ClinVar variation 1348557 (VCV001348557.8), dbSNP rs1764167267, ClinGen allele CA363986661.

ClinVar aggregate classification (germline): Uncertain significance (1 of 4 stars; one submission).

Conditions:
Primary ciliary dyskinesia. Also called: Ciliary dyskinesia. Identifiers: Orphanet 244, MedGen C0008780, MONDO:0016575, HP:0012265.

Submission:

Labcorp Genetics (formerly Invitae), Labcorp
Classification: Uncertain significance for Primary ciliary dyskinesia. Last evaluated: 2021-06-10. Review status: criteria provided, single submitter. Criteria: Invitae Variant Classification Sherloc (09022015). Collection method: clinical testing. Allele origin: germline.
Comment: This sequence change replaces glutamine with proline at codon 294 of the DNAH8 protein (p.Gln294Pro). The glutamine residue is moderately conserved and there is a moderate physicochemical difference between glutamine and proline. This variant is not present in population databases (ExAC no frequency). In summary, the available evidence is currently insufficient to determine the role of this variant in disease. Therefore, it has been classified as a Variant of Uncertain Significance. Algorithms developed to predict the effect of missense changes on protein structure and function are either unavailable or do not agree on the potential impact of this missense change (SIFT: "Deleterious"; PolyPhen-2: "Not Available"; Align-GVGD: "Class C0"). This variant has not been reported in the literature in individuals with DNAH8-related conditions.